The following is an entry in ClinVar:

ClinVar aggregate classification (germline): Benign/Likely benign. Review status: criteria provided, multiple submitters, no conflicts (2 of 4 stars). 4 submissions from 4 submitters: Benign (1); Likely benign (3). Last evaluated 2026-01-28.

Conditions:
Immunodeficiency 104. Also called: IMMUNODEFICIENCY 104, SEVERE COMBINED; Severe Combined Immune Deficiency, Autosomal Recessive, TCell -Negative, B Cell-Positive, NK Cell-Positive, IL7R-Related; Severe combined immunodeficiency, autosomal recessive, T cell-negative, B cell-positive, NK cell-positive; SCID, AUTOSOMAL RECESSIVE, T CELL-NEGATIVE, B CELL-POSITIVE, NK CELL-POSITIVE. Identifiers: MedGen C5676890, MONDO:0012163, OMIM 608971.

Allele frequency attached by ClinVar (database versions not stated): gnomAD exomes 0.00065 and 0.00168; ExAC 0.00202; 1000 Genomes Project 0.00579; 1000 Genomes Project 30x 0.00625; ESP Exome Variant Server 0.00684; gnomAD 0.00692 and 0.00748; TOPMed 0.00764.
gnomAD v4.1: 2,055 of 1,613,606 alleles (0.13%); highest among the groups gnomAD compares: African/African-American, 2.4%; 22 homozygotes.

Submissions (4):

Labcorp Genetics (formerly Invitae), Labcorp
Classification: Benign for Immunodeficiency 104. Last evaluated: 2026-01-28. Review status: criteria provided, single submitter. Criteria: Invitae Variant Classification Sherloc (09022015). Collection method: clinical testing. Allele origin: germline.

Women's Health and Genetics/Laboratory Corporation of America, LabCorp
Classification: Likely benign. Last evaluated: 2026-01-22. Review status: criteria provided, single submitter. Criteria: LabCorp Variant Classification Summary - May 2015. Collection method: clinical testing. Allele origin: germline.

GeneDx
Classification: Likely benign. Last evaluated: 2016-10-14. Review status: criteria provided, single submitter. Criteria: GeneDx Variant Classification (06012015). Collection method: clinical testing. Allele origin: germline. Affected: yes.
Comment: This variant is considered likely benign or benign based on one or more of the following criteria: it is a conservative change, it occurs at a poorly conserved position in the protein, it is predicted to be benign by multiple in silico algorithms, and/or has population frequency not consistent with disease.

ARUP Laboratories, Molecular Genetics and Genomics, ARUP Laboratories
Classification: Likely benign. Last evaluated: 2016-08-19. Review status: criteria provided, single submitter. Criteria: ARUP Molecular Germline Variant Investigation Process. Collection method: clinical testing. Allele origin: germline.

NM_002838.5(PTPRC):c.1268C>T (p.Thr423Ile)

Gene: PTPRC (protein tyrosine phosphatase receptor type C; plus strand). Cytogenetic location: 1q32.1.
Variant type: single nucleotide variant.
Coding change: c.1268C>T on transcript NM_002838.5 (MANE Select); coding-DNA position 1268, C replaced by T.
Protein change: p.Thr423Ile; replaces threonine 423 with isoleucine.
Molecular consequence: missense variant.
Genome position (GRCh38, 1-based): chr1:198,713,049, C>T. VCF-style: chr1-198713049-C-T. GRCh37 (hg19) VCF-style: chr1-198682178-C-T.
Other names: c.785C>T, p.Thr262Ile (NM_080921.4); short protein forms T423I, T262I.
Identifiers: ClinVar variation 380459 (VCV000380459.20), dbSNP rs6696162, ClinGen allele CA1314742.
Genomic context (GRCh38, chr1:198,713,049, plus strand): 5'-AAGCTGCACATCAAGGAGTAATTACCTGGAATCCCCCTCAAAGATCATTTCATAATTTTA[C>T]CCTCTGTTATATAAAAGAGACAGGTAATTTGTGTAGAATTTAATTTCATCAGAAAAGAGA-3'
Protein context (NP_002829.3, residues 413-433): NPPQRSFHNF[Thr423Ile]LCYIKETEKD